The following is an entry in ClinVar:

ClinVar aggregate classification (germline): Likely pathogenic (1 of 4 stars; one submission).

Conditions:
Pontoneocerebellar hypoplasia. Also called: Non-syndromic pontocerebellar hypoplasia; Pontocerebellar hypoplasia. Identifiers: Orphanet 98523, MedGen C1261175, MONDO:0020135.

Submission:

Women's Health and Genetics/Laboratory Corporation of America, LabCorp
Classification: Likely pathogenic for Pontoneocerebellar hypoplasia. Last evaluated: 2023-03-15. Review status: criteria provided, single submitter. Criteria: LabCorp Variant Classification Summary - May 2015. Collection method: clinical testing. Allele origin: germline.
Comment: Variant summary: CHMP1A c.271C>T (p.Gln91X) results in a premature termination codon in exon 5, predicted to cause a truncation of the encoded protein or absence of the protein due to nonsense mediated decay, which are commonly known mechanisms for disease. Another nonsense variant in exon 3 was reported in affected individuals (HGMD). The variant was absent in 246376 control chromosomes (gnomAD). To our knowledge, no occurrence of c.271C>T in individuals affected with Pontocerebellar Hypoplasia, Type 8 and no experimental evidence demonstrating its impact on protein function have been reported. No clinical diagnostic laboratories have submitted clinical-significance assessments for this variant to ClinVar after 2014. Based on the evidence outlined above, the variant was classified as likely pathogenic.

NM_002768.5(CHMP1A):c.271C>T (p.Gln91Ter)

Gene: CHMP1A (charged multivesicular body protein 1A; minus strand). Cytogenetic location: 16q24.3.
Variant type: single nucleotide variant.
Coding change: c.271C>T on transcript NM_002768.5 (MANE Select); coding-DNA position 271, C replaced by T.
Protein change: p.Gln91Ter; replaces glutamine 91 with a stop codon.
Molecular consequence: nonsense. On other transcripts: missense variant (1), non-coding transcript variant (1).
Genome position (GRCh38, 1-based): chr16:89,647,313, G>A on the plus strand (C>T on the coding strand, the complement: CHMP1A is on the minus strand). VCF-style: chr16-89647313-G-A. GRCh37 (hg19) VCF-style: chr16-89713721-G-A.
Other names: c.251C>T, p.Pro84Leu (NM_001083314.4); short protein forms P84L, Q91*.
Identifiers: ClinVar variation 2501136 (VCV002501136.1), dbSNP rs2151511838, ClinGen allele CA397433762.